The following is an entry in ClinVar:

NM_002878.4(RAD51D):c.431C>G (p.Ser144Cys)

Genes: RAD51D (RAD51 paralog D; minus strand), RAD51L3-RFFL (RAD51L3-RFFL readthrough; minus strand). Cytogenetic location: 17q12.
Variant type: single nucleotide variant.
Coding change: c.431C>G on transcript NM_002878.4 (MANE Select); coding-DNA position 431, C replaced by G.
Protein change: p.Ser144Cys; replaces serine 144 with cysteine.
Molecular consequence: missense variant. On other transcripts: non-coding transcript variant (1), intron variant (1).
Genome position (GRCh38, 1-based): chr17:35,107,037, G>C on the plus strand (C>G on the coding strand, the complement: RAD51D is on the minus strand). VCF-style: chr17-35107037-G-C. GRCh37 (hg19) VCF-style: chr17-33434056-G-C.
Other names: c.491C>G, p.Ser164Cys (NM_001142571.2); c.145-556C>G (NM_133629.3); short protein forms S144C, S164C.
Identifiers: ClinVar variation 1720814 (VCV001720814.5), dbSNP rs587781875, ClinGen allele CA399089242.
Genomic context (GRCh38, chr17:35,107,037, plus strand): 5'-CCTGCCCTTACCTGTTCCTCCTCATCCTGGGTTTTAGCCTGAAGCAGCTGGAGGAGGCGG[G>C]AAGCTGTCAGCCCTCCATTGGAATCTACATATAGGACGTTTTGCTGCAGGCCATGGGCCA-3'
Protein context (NP_002869.3, residues 134-154): YVDSNGGLTA[Ser144Cys]RLLQLLQAKT

ClinVar aggregate classification (germline): Uncertain significance (1 of 4 stars; one submission).

Conditions:
Breast-ovarian cancer, familial, susceptibility to, 4. Identifiers: Orphanet 145, MedGen C3280345, MONDO:0013669, OMIM 614291.

Submission:

Labcorp Genetics (formerly Invitae), Labcorp
Classification: Uncertain significance for Breast-ovarian cancer, familial, susceptibility to, 4. Last evaluated: 2022-12-29. Review status: criteria provided, single submitter. Criteria: Invitae Variant Classification Sherloc (09022015). Collection method: clinical testing. Allele origin: germline.
Comment: Advanced modeling of protein sequence and biophysical properties (such as structural, functional, and spatial information, amino acid conservation, physicochemical variation, residue mobility, and thermodynamic stability) has been performed at Invitae for this missense variant, however the output from this modeling did not meet the statistical confidence thresholds required to predict the impact of this variant on RAD51D protein function. In summary, the available evidence is currently insufficient to determine the role of this variant in disease. Therefore, it has been classified as a Variant of Uncertain Significance. ClinVar contains an entry for this variant (Variation ID: 1720814). This variant has not been reported in the literature in individuals affected with RAD51D-related conditions. This variant is not present in population databases (gnomAD no frequency). This sequence change replaces serine, which is neutral and polar, with cysteine, which is neutral and slightly polar, at codon 144 of the RAD51D protein (p.Ser144Cys).